The following is an entry in ClinVar:

NM_032620.4(GTPBP3):c.54-157T>C

Gene: GTPBP3 (GTP binding protein 3, mitochondrial; plus strand). Cytogenetic location: 19p13.11.
Variant type: single nucleotide variant.
Coding change: c.54-157T>C on transcript NM_032620.4 (MANE Select); 157 bases into the intron before coding-DNA position 54, T replaced by C.
Molecular consequence: intron variant.
Genome position (GRCh38, 1-based): chr19:17,337,851, T>C. VCF-style: chr19-17337851-T-C. GRCh37 (hg19) VCF-style: chr19-17448660-T-C.
Other names: c.120-157T>C (NM_001195422.1); c.54-157T>C (NM_133644.4, NM_001128855.3).
Identifiers: ClinVar variation 669491 (VCV000669491.2), dbSNP rs3810204, ClinGen allele CA9293179.

ClinVar aggregate classification (germline): Benign. Review status: criteria provided, multiple submitters, no conflicts (2 of 4 stars). 2 submissions from 2 submitters: Benign (2). Last evaluated 2018-06-14.

Allele frequency attached by ClinVar (database versions not stated): gnomAD exomes 0.25150 and 0.27765; 1000 Genomes Project 0.30811; 1000 Genomes Project 30x 0.31668; TOPMed 0.34245; gnomAD 0.35188 and 0.36268; ExAC 0.44344.
gnomAD v4.1: 343,979 of 1,199,468 alleles (29%); highest among the groups gnomAD compares: African/African-American, 57%; 54,499 homozygotes.

Submissions (2):

GeneDx
Classification: Benign. Last evaluated: 2018-06-14. Review status: criteria provided, single submitter. Criteria: GeneDx Variant Classification (06012015). Collection method: clinical testing. Allele origin: germline. Affected: yes.
Comment: This variant is considered likely benign or benign based on one or more of the following criteria: it is a conservative change, it occurs at a poorly conserved position in the protein, it is predicted to be benign by multiple in silico algorithms, and/or has population frequency not consistent with disease.

Breakthrough Genomics
Classification: Benign. Review status: criteria provided, single submitter. Criteria: ACMG Guidelines, 2015. Collection method: not provided. Allele origin: germline. Inheritance: Autosomal recessive inheritance. Affected: yes.